The following is an entry in ClinVar:

NM_004329.3(BMPR1A):c.195G>C (p.Gly65=)

Gene: BMPR1A (bone morphogenetic protein receptor type 1A; plus strand). Cytogenetic location: 10q23.2.
Variant type: single nucleotide variant.
Coding change: c.195G>C on transcript NM_004329.3 (MANE Select); coding-DNA position 195, G replaced by C.
Protein change: p.Gly65=; no amino-acid change (glycine 65 retained).
Molecular consequence: synonymous variant.
Genome position (GRCh38, 1-based): chr10:86,890,189, G>C. VCF-style: chr10-86890189-G-C. GRCh37 (hg19) VCF-style: chr10-88649946-G-C.
Identifiers: ClinVar variation 416800 (VCV000416800.19), dbSNP rs765437517, ClinGen allele CA5585440.

ClinVar aggregate classification (germline): Benign/Likely benign. Review status: criteria provided, multiple submitters, no conflicts (2 of 4 stars). 7 submissions from 7 submitters: Benign (1); Likely benign (6). Last evaluated 2026-01-10.

Conditions:
Juvenile polyposis syndrome (JPS). Identifiers: Orphanet 2929, MedGen C0345893, MONDO:0017380, OMIM 174900.
Hereditary cancer-predisposing syndrome. Also called: Tumor predisposition; Neoplastic Syndromes, Hereditary; Hereditary Cancer Syndrome; Hereditary neoplastic syndrome. Identifiers: Orphanet 140162, MedGen C0027672, MeSH D009386, MONDO:0015356.

Allele frequency attached by ClinVar (database versions not stated): TOPMed 0.00001.

Submissions (7):

Labcorp Genetics (formerly Invitae), Labcorp
Classification: Likely benign for Juvenile polyposis syndrome. Last evaluated: 2026-01-10. Review status: criteria provided, single submitter. Criteria: Invitae Variant Classification Sherloc (09022015). Collection method: clinical testing. Allele origin: germline.

Myriad Genetics, Inc.
Classification: Benign for Juvenile polyposis syndrome. Last evaluated: 2024-07-31. Review status: criteria provided, single submitter. Criteria: Myriad Autosomal Dominant, Autosomal Recessive and X-Linked Classification Criteria (2023). Collection method: clinical testing. Allele origin: unknown.
Comment: This variant is considered benign. This variant is a silent/synonymous amino acid change and it is not expected to impact splicing.

All of Us Research Program, National Institutes of Health
Classification: Likely benign for Juvenile polyposis syndrome. Last evaluated: 2023-04-03. Review status: criteria provided, single submitter. Criteria: ACMG Guidelines, 2015. Collection method: clinical testing. Allele origin: germline. Inheritance: Autosomal dominant inheritance. Observed: 1 variant allele, 1 heterozygote.
Comment: This study involves interpretation of variants in research participants for the purpose of population health screening. Participant phenotype was not available at the time of variant classification. Additional details can be found in publication PMID: 35346344, PMCID: PMC8962531

Women's Health and Genetics/Laboratory Corporation of America, LabCorp
Classification: Likely benign. Last evaluated: 2019-08-21. Review status: criteria provided, single submitter. Criteria: LabCorp Variant Classification Summary - May 2015. Collection method: clinical testing. Allele origin: germline.

GeneDx
Classification: Likely benign. Last evaluated: 2018-06-19. Review status: criteria provided, single submitter. Criteria: GeneDx Variant Classification (06012015). Collection method: clinical testing. Allele origin: germline. Affected: yes.
Comment: This variant is considered likely benign or benign based on one or more of the following criteria: it is a conservative change, it occurs at a poorly conserved position in the protein, it is predicted to be benign by multiple in silico algorithms, and/or has population frequency not consistent with disease.

Ambry Genetics
Classification: Likely benign for Hereditary cancer-predisposing syndrome. Last evaluated: 2017-06-01. Review status: criteria provided, single submitter. Criteria: Ambry Variant Classification Scheme 2023. Collection method: clinical testing. Allele origin: germline.

Color Diagnostics, LLC DBA Color Health
Classification: Likely benign for Hereditary cancer-predisposing syndrome. Last evaluated: 2016-03-09. Review status: criteria provided, single submitter. Criteria: ACMG Guidelines, 2015. Collection method: clinical testing. Allele origin: germline.